The following is an entry in ClinVar:

NM_014176.4(UBE2T):c.109C>T (p.Gln37Ter)

Gene: UBE2T (ubiquitin conjugating enzyme E2 T; minus strand). Cytogenetic location: 1q32.1.
Variant type: single nucleotide variant.
Coding change: c.109C>T on transcript NM_014176.4 (MANE Select); coding-DNA position 109, C replaced by T.
Protein change: p.Gln37Ter; replaces glutamine 37 with a stop codon.
Molecular consequence: nonsense. On other transcripts: synonymous variant (1).
Genome position (GRCh38, 1-based): chr1:202,335,646, G>A on the plus strand (C>T on the coding strand, the complement: UBE2T is on the minus strand). VCF-style: chr1-202335646-G-A. GRCh37 (hg19) VCF-style: chr1-202304774-G-A.
Other names: c.15C>T, p.Leu5= (NM_001310326.2); short protein forms Q37*.
Identifiers: ClinVar variation 3675445 (VCV003675445.2).
Genomic context (GRCh38, chr1:202,335,646, plus strand): 5'-ATTTCAGCACAATCTTCAATAGGGTCATGACTTTCATCATATACATGATTTGATACCTAC[G>A]AGCTCGCAGGTCATCCATTTGGTCTTTATCTTGCCAACATGTGATGCCTGGGGGTGGCTC-3'

ClinVar aggregate classification (germline): Pathogenic (1 of 4 stars; one submission).

gnomAD v4.1: 10 of 1,613,564 alleles (0.00062%); highest among the groups gnomAD compares: Admixed American, 0.005%; no homozygotes.

Submission:

Labcorp Genetics (formerly Invitae), Labcorp
Classification: Pathogenic. Last evaluated: 2024-02-15. Review status: criteria provided, single submitter. Criteria: Invitae Variant Classification Sherloc (09022015). Collection method: clinical testing. Allele origin: germline.
Comment: This sequence change creates a premature translational stop signal (p.Gln37*) in the UBE2T gene. It is expected to result in an absent or disrupted protein product. Loss-of-function variants in UBE2T are known to be pathogenic (PMID: 26046368, 26119737). This variant is present in population databases (rs752864201, gnomAD 0.009%). This variant has not been reported in the literature in individuals affected with UBE2T-related conditions. For these reasons, this variant has been classified as Pathogenic.

Literature cited by the submitters: PubMed 26046368; PubMed 26119737.